The following is an entry in ClinVar:

ClinVar aggregate classification (germline): Likely benign. Review status: criteria provided, multiple submitters, no conflicts (2 of 4 stars). 2 submissions from 2 submitters: Likely benign (2). Last evaluated 2026-01-26.

Allele frequency attached by ClinVar (database versions not stated): 1000 Genomes Project 30x 0.00047; 1000 Genomes Project 0.00060; TOPMed 0.00108; ESP Exome Variant Server 0.00149; gnomAD 0.00162; gnomAD exomes 0.00217 and 0.00267; ExAC 0.00312.
gnomAD v4.1: 3,351 of 1,613,808 alleles (0.21%); highest among the groups gnomAD compares: South Asian, 0.7%; 12 homozygotes.

Submissions (2):

Labcorp Genetics (formerly Invitae), Labcorp
Classification: Likely benign. Last evaluated: 2026-01-26. Review status: criteria provided, single submitter. Criteria: Invitae Variant Classification Sherloc (09022015). Collection method: clinical testing. Allele origin: germline.

CeGaT Center for Human Genetics Tuebingen
Classification: Likely benign. Last evaluated: 2024-10-01. Review status: criteria provided, single submitter. Criteria: CeGaT Center For Human Genetics Tuebingen Variant Classification Criteria Version 2. Collection method: clinical testing. Allele origin: germline. Affected: yes. Observed: 4 variant alleles.
Comment: PCLO: BP4, BS2

NM_033026.6(PCLO):c.9591T>A (p.Asp3197Glu)

Gene: PCLO (piccolo presynaptic cytomatrix protein; minus strand). Cytogenetic location: 7q21.11.
Variant type: single nucleotide variant.
Coding change: c.9591T>A on transcript NM_033026.6 (MANE Select); coding-DNA position 9591, T replaced by A.
Protein change: p.Asp3197Glu; replaces aspartic acid 3197 with glutamic acid.
Molecular consequence: missense variant.
Genome position (GRCh38, 1-based): chr7:82,950,997, A>T on the plus strand (T>A on the coding strand, the complement: PCLO is on the minus strand). VCF-style: chr7-82950997-A-T. GRCh37 (hg19) VCF-style: chr7-82580313-A-T.
Other names: c.9591T>A, p.Asp3197Glu (NM_014510.3); short protein forms D3197E.
Identifiers: ClinVar variation 709806 (VCV000709806.34), dbSNP rs200530952, ClinGen allele CA4319890.